The following is an entry in ClinVar:

ClinVar aggregate classification (germline): Conflicting classifications of pathogenicity. Review status: criteria provided, conflicting classifications (1 of 4 stars). 4 submissions from 4 submitters: Pathogenic (2); Uncertain significance (1). 1 of the submissions does not count toward it. Last evaluated 2023-10-13.

Conditions:
Neurofibromatosis, type 1 (NF1). Also called: Neurofibromatosis, type I; NEUROFIBROMATOSIS, TYPE I, SOMATIC; Peripheral type neurofibromatosis; VON RECKLINGHAUSEN DISEASE. Identifiers: Orphanet 636, MedGen C0027831, MONDO:0018975, OMIM 162200. Disease mechanism: loss of function.

Allele frequency attached by ClinVar (database versions not stated): TOPMed below 0.00001.

Submissions (4):

Labcorp Genetics (formerly Invitae), Labcorp
Classification: Pathogenic for Neurofibromatosis, type 1. Last evaluated: 2023-10-13. Review status: criteria provided, single submitter. Criteria: Invitae Variant Classification Sherloc (09022015). Collection method: clinical testing. Allele origin: germline.
Comment: This sequence change affects a donor splice site in intron 23 of the NF1 gene. RNA analysis indicates that disruption of this splice site induces altered splicing and likely results in a shortened protein product. This variant is not present in population databases (gnomAD no frequency). Disruption of this splice site has been observed in individuals with clinical features of neurofibromatosis type 1 (PMID: 18546366, 26056819; Invitae). ClinVar contains an entry for this variant (Variation ID: 431619). Studies have shown that disruption of this splice site results in skipping of exon 23, but is expected to preserve the integrity of the reading-frame (PMID: 18546366, 26056819). This variant disrupts the p.Met1035 amino acid residue in NF1. Other variant(s) that disrupt this residue have been determined to be pathogenic (PMID: 31370276; Invitae). This suggests that this residue is clinically significant, and that variants that disrupt this residue are likely to be disease-causing. For these reasons, this variant has been classified as Pathogenic.

MGZ Medical Genetics Center
Classification: Uncertain significance for Neurofibromatosis, type 1. Last evaluated: 2022-07-28. Review status: criteria provided, single submitter. Criteria: ACMG Guidelines, 2015. Collection method: clinical testing. Allele origin: germline. Affected: yes. Observed: 1 variant allele.
Comment: ACMG criteria applied: PS3_SUP, PS4_SUP, PM2_SUP, PP3

Athena Diagnostics
Classification: Pathogenic. Last evaluated: 2021-03-10. Review status: criteria provided, single submitter. Criteria: Athena Diagnostics Criteria. Collection method: clinical testing. Allele origin: unknown.
Comment: This variant is expected to severely impact normal RNA splicing, and consequently, protein structure and/or function. This variant has not been reported in large, multi-ethnic general populations. This variant has been identified in at least one individual with clinical features associated with this gene (PMID: 18546366, 26056819).This observation is not an independent occurrence and has been identified in the same individual by RCIGM, the other laboratory participating in the GEMINI study.

Medical Genetics, University of Parma
Classification: Uncertain significance for Neurofibromatosis type 1. Last evaluated: 2017-02-02. Review status: no assertion criteria provided. Collection method: clinical testing. Allele origin: germline. Affected: yes. Not counted in ClinVar's aggregate classification.

Literature cited by the submitters: PubMed 18546366 (cited by Labcorp Genetics (formerly Invitae), Labcorp); PubMed 26056819 (cited by Labcorp Genetics (formerly Invitae), Labcorp); PubMed 31370276 (cited by Labcorp Genetics (formerly Invitae), Labcorp).

NM_001042492.3(NF1):c.3113+2T>C

Gene: NF1 (neurofibromin 1; plus strand). Cytogenetic location: 17q11.2.
Variant type: single nucleotide variant.
Coding change: c.3113+2T>C on transcript NM_001042492.3 (MANE Select); the canonical splice donor site of the intron after coding-DNA position 3113, T replaced by C.
Molecular consequence: splice donor variant.
Genome position (GRCh38, 1-based): chr17:31,230,384, T>C. VCF-style: chr17-31230384-T-C. GRCh37 (hg19) VCF-style: chr17-29557402-T-C.
Other names: c.3113+2T>C (NM_000267.4).
Identifiers: ClinVar variation 431619 (VCV000431619.11), dbSNP rs876658997, ClinGen allele CA398987767.